The following is an entry in ClinVar:

ClinVar aggregate classification (germline): Uncertain significance (1 of 4 stars; one submission).

Submission:

Women's Health and Genetics/Laboratory Corporation of America, LabCorp
Classification: Uncertain significance. Last evaluated: 2022-09-15. Review status: criteria provided, single submitter. Criteria: LabCorp Variant Classification Summary - May 2015. Collection method: clinical testing. Allele origin: germline.
Comment: Variant summary: CTCF c.1369C>G (p.Arg457Gly) results in a non-conservative amino acid change located in the Zinc finger C2H2-type domain (IPR013087) of the encoded protein sequence. Four of five in-silico tools predict a damaging effect of the variant on protein function. The variant was absent in 190176 control chromosomes (gnomAD). The available data on variant occurrences in the general population are insufficient to allow any conclusion about variant significance. To our knowledge, no occurrence of c.1369C>G in individuals affected with Mental retardation, autosomal dominant 21 and no experimental evidence demonstrating its impact on protein function have been reported. No clinical diagnostic laboratories have submitted clinical-significance assessments for this variant to ClinVar after 2014. Based on the evidence outlined above, the variant was classified as uncertain significance.

NM_006565.4(CTCF):c.1369C>G (p.Arg457Gly)

Gene: CTCF (CCCTC-binding factor; plus strand). Cytogenetic location: 16q22.1.
Variant type: single nucleotide variant.
Coding change: c.1369C>G on transcript NM_006565.4 (MANE Select); coding-DNA position 1369, C replaced by G.
Protein change: p.Arg457Gly; replaces arginine 457 with glycine.
Molecular consequence: missense variant.
Genome position (GRCh38, 1-based): chr16:67,626,566, C>G. VCF-style: chr16-67626566-C-G. GRCh37 (hg19) VCF-style: chr16-67660469-C-G.
Other names: c.385C>G, p.Arg129Gly (NM_001191022.2); c.1369C>G, p.Arg457Gly (NM_001363916.2); short protein forms R129G, R457G.
Identifiers: ClinVar variation 1722419 (VCV001722419.1), dbSNP rs763765410, ClinGen allele CA396317201.